The following is an entry in ClinVar:

NM_177438.3(DICER1):c.2565A>G (p.Ser855=)

Gene: DICER1 (dicer 1, ribonuclease III; minus strand). Cytogenetic location: 14q32.13.
Variant type: single nucleotide variant.
Coding change: c.2565A>G on transcript NM_177438.3 (MANE Select); coding-DNA position 2565, A replaced by G.
Protein change: p.Ser855=; no amino-acid change (serine 855 retained).
Molecular consequence: synonymous variant.
Genome position (GRCh38, 1-based): chr14:95,107,965, T>C on the plus strand (A>G on the coding strand, the complement: DICER1 is on the minus strand). VCF-style: chr14-95107965-T-C. GRCh37 (hg19) VCF-style: chr14-95574302-T-C.
Other names: c.2565A>G, p.Ser855= (NM_001195573.1, NM_001271282.3, NM_001291628.2 and 1 more transcripts).
Identifiers: ClinVar variation 242066 (VCV000242066.20), dbSNP rs752565186, ClinGen allele CA7331222.
Genomic context (GRCh38, chr14:95,107,965, plus strand): 5'-TGCTGAATCAGCGTCTGTAGGTTTAAATTCTAGTGCAGGTTTTTCAAGCCGAAGAATATG[T>C]GAGAATATATACTGGTGAAGTCTTGTAATCAACTCAAGCATTTGTAGAGACAACATGAAA-3'
Protein context (NP_803187.1, residues 845-865): LITRLHQYIF[Ser855=]HILRLEKPAL

ClinVar aggregate classification (germline): Benign/Likely benign. Review status: criteria provided, multiple submitters, no conflicts (2 of 4 stars). 5 submissions from 5 submitters: Benign (1); Likely benign (4). Last evaluated 2026-04-16.

Conditions:
DICER1-related tumor predisposition. Also called: DICER1-related pleuropulmonary blastoma cancer predisposition syndrome; DICER1 syndrome. Identifiers: Orphanet 284343, MedGen C3839822, MONDO:0100216.
Hereditary cancer-predisposing syndrome. Also called: Hereditary neoplastic syndrome; Neoplastic Syndromes, Hereditary; Hereditary Cancer Syndrome; Tumor predisposition. Identifiers: Orphanet 140162, MedGen C0027672, MeSH D009386, MONDO:0015356.

Allele frequency attached by ClinVar (database versions not stated): gnomAD 0.00001; gnomAD exomes 0.00002 and 0.00005; TOPMed 0.00002; ExAC 0.00002.
gnomAD v4.1: 78 of 1,613,506 alleles (0.0048%); highest among the groups gnomAD compares: Non-Finnish European, 0.0064%; no homozygotes.

Submissions (5):

Myriad Genetics, Inc.
Classification: Benign for DICER1-related tumor predisposition. Last evaluated: 2026-04-16. Review status: criteria provided, single submitter. Criteria: Myriad Autosomal Dominant, Autosomal Recessive and X-Linked Classification Criteria (2023). Collection method: clinical testing. Allele origin: unknown.
Comment: This variant is considered benign. This variant is a silent/synonymous amino acid change and it is not expected to impact splicing.

Labcorp Genetics (formerly Invitae), Labcorp
Classification: Likely benign for DICER1-related tumor predisposition. Last evaluated: 2025-12-31. Review status: criteria provided, single submitter. Criteria: Invitae Variant Classification Sherloc (09022015). Collection method: clinical testing. Allele origin: germline.

ARUP Laboratories, Molecular Genetics and Genomics, ARUP Laboratories
Classification: Likely benign. Last evaluated: 2025-07-29. Review status: criteria provided, single submitter. Criteria: ARUP Molecular Germline Variant Investigation Process 2024. Collection method: clinical testing. Allele origin: germline.

Hereditary Cancer Group, L’Institut d'Investigació Biomèdica de Bellvitge
Classification: Likely benign for Hereditary cancer-predisposing syndrome. Last evaluated: 2024-12-19. Review status: criteria provided, single submitter. Criteria: Hatton et al. (Hum Mutat. 2023). Collection method: clinical testing. Allele origin: germline. Inheritance: Autosomal dominant inheritance. Affected: yes.
Comment: BP4, BP7

Ambry Genetics
Classification: Likely benign for Hereditary cancer-predisposing syndrome. Last evaluated: 2017-05-24. Review status: criteria provided, single submitter. Criteria: Ambry Variant Classification Scheme 2023. Collection method: clinical testing. Allele origin: germline.